The following is an entry in ClinVar:

ClinVar aggregate classification (germline): Likely pathogenic. Review status: criteria provided, multiple submitters, no conflicts (2 of 4 stars). 4 submissions from 4 submitters: Likely pathogenic (3). 1 of the submissions does not count toward it. Last evaluated 2024-05-01.

Conditions:
Pelizaeus-Merzbacher disease. Also called: LEUKODYSTROPHY, HYPOMYELINATING, 1; Pelizaeus-Merzbacher spectrum disorder; Pelizaeus-Merzbacher Disease (PMD); Sudanophilic leukodystrophy; Pelizeaus-Merzbacher spectrum disorder. Identifiers: Orphanet 702, MedGen C0205711, MONDO:0010714, OMIM 312080, HP:0003269.

Submissions (4):

CeGaT Center for Human Genetics Tuebingen
Classification: Likely pathogenic. Last evaluated: 2024-05-01. Review status: criteria provided, single submitter. Criteria: CeGaT Center For Human Genetics Tuebingen Variant Classification Criteria Version 2. Collection method: clinical testing. Allele origin: germline. Affected: yes. Observed: 1 variant allele.
Comment: PLP1: PM2, PM5, PS4:Moderate, PP2, PP3

Molecular Diagnostics Lab, Nemours Children's Health, Delaware
Classification: Likely pathogenic for Pelizaeus-Merzbacher disease. Last evaluated: 2021-12-15. Review status: criteria provided, single submitter. Criteria: ACMG Guidelines, 2015. Collection method: clinical testing. Allele origin: unknown, maternal. Inheritance: X-linked inheritance. Affected: no and yes. Observed: 2 heterozygotes, 2 hemizygotes.
Comment: This missense variant (c.487T>C, p.Trp163Arg) has not been observed in population databases (gnomAD). It has been described in the literature (PMID 2479017, PMID 3827224, PMID 8696336), and functional studies have shown a deleterious effect on protein expression.

Eurofins Ntd Llc (ga)
Classification: Likely pathogenic. Last evaluated: 2012-09-18. Review status: criteria provided, single submitter. Criteria: EGL Classification Definitions 2015. Collection method: clinical testing. Allele origin: germline. Observed: 1 variant allele, 1 heterozygote.

OMIM
Classification: Pathogenic for PELIZAEUS-MERZBACHER DISEASE. Last evaluated: 1989-10-01. Review status: no assertion criteria provided. Collection method: literature only. Allele origin: germline. Not counted in ClinVar's aggregate classification.

Literature cited by the submitters: PubMed 2479017 (cited by 3 submitters); PubMed 3827224 (cited by 3 submitters); PubMed 8696336 (cited by Molecular Diagnostics Lab, Nemours Children's Health, Delaware).

NM_000533.5(PLP1):c.487T>C (p.Trp163Arg)

Genes: PLP1 (proteolipid protein 1; plus strand), RAB9B (RAB9B, member RAS oncogene family; minus strand). Cytogenetic location: Xq22.2.
Variant type: single nucleotide variant.
Coding change: c.487T>C on transcript NM_000533.5 (MANE Select); coding-DNA position 487, T replaced by C.
Protein change: p.Trp163Arg; replaces tryptophan 163 with arginine.
Molecular consequence: missense variant.
Genome position (GRCh38, 1-based): chrX:103,787,831, T>C. VCF-style: chrX-103787831-T-C. GRCh37 (hg19) VCF-style: chrX-103042760-T-C.
Other names: W162R; c.487T>C, p.Trp163Arg (NM_001128834.3); c.322T>C, p.Trp108Arg (NM_001305004.1); c.382T>C, p.Trp128Arg (NM_199478.3); short protein forms W128R, W163R, W108R.
Identifiers: ClinVar variation 11074 (VCV000011074.25), dbSNP rs132630279, ClinGen allele CA221105.
Genomic context (GRCh38, chrX:103,787,831, plus strand): 5'-CTAACCACCCCATGTCAATCATTTTAGTTTGTGGGCATCACCTATGCCCTGACCGTTGTG[T>C]GGCTCCTGGTGTTTGCCTGCTCTGCTGTGCCTGTGTACATTTACTTCAACACCTGGACCA-3'
Protein context (NP_000524.3, residues 153-173): VGITYALTVV[Trp163Arg]LLVFACSAVP